The following is an entry in ClinVar:

ClinVar aggregate classification (germline): Pathogenic (1 of 4 stars; one submission).

Conditions:
Familial adenomatous polyposis 1 (FAP1). Also called: FAMILIAL ADENOMATOUS POLYPOSIS 1, ATTENUATED; POLYPOSIS, ADENOMATOUS INTESTINAL. Identifiers: MedGen C2713442, MONDO:0021056, OMIM 175100. Disease mechanism: loss of function.

Submission:

Myriad Genetics, Inc.
Classification: Pathogenic for Familial adenomatous polyposis 1. Last evaluated: 2023-05-08. Review status: criteria provided, single submitter. Criteria: Myriad Autosomal Dominant, Autosomal Recessive and X-Linked Classification Criteria (2023). Collection method: clinical testing. Allele origin: unknown.
Comment: This variant is considered pathogenic. This variant creates a frameshift predicted to result in premature protein truncation.

NM_000038.6(APC):c.3404_3405dup (p.Glu1136fs)

Gene: APC (APC regulator of Wnt signaling pathway; plus strand). Cytogenetic location: 5q22.2.
Variant type: Duplication.
Coding change: c.3404_3405dup on transcript NM_000038.6 (MANE Select); coding-DNA positions 3404 to 3405, 2 bases duplicated (AT; older notation c.3404_3405dupAT).
Protein change: p.Glu1136fs; shifts the reading frame from glutamic acid 1136.
Molecular consequence: frameshift variant. On other transcripts: non-coding transcript variant (2).
Genome position (GRCh38, 1-based): chr5:112,838,998-112,838,999, AT duplicated; duplicating any 2 consecutive bases within chr5:112,838,997-112,838,999 gives the same sequence; the c. name uses the placement nearest the transcript's 3' end. VCF-style (leftmost placement, unchanged base first): chr5-112838996-C-CTA. GRCh37 (hg19) VCF-style: chr5-112174693-C-CTA.
Other names: c.3404_3405dup, p.Glu1136fs (NM_001127510.3, NM_001354895.2, NM_001407450.1); c.3350_3351dup, p.Glu1118fs (NM_001127511.3); c.3458_3459dup, p.Glu1154fs (NM_001354896.2, NM_001407447.1, NM_001407448.1 and 1 more transcripts); c.3434_3435dup, p.Glu1146fs (NM_001354897.2); c.3329_3330dup, p.Glu1111fs (NM_001354898.2); c.3320_3321dup, p.Glu1108fs (NM_001354899.2); c.3281_3282dup, p.Glu1095fs (NM_001354900.2); c.3227_3228dup, p.Glu1077fs (NM_001354901.2, NM_001407453.1); and 11 more; short protein forms E1007fs, E1010fs, E1035fs, E1045fs, E1053fs, E1077fs, E1095fs, E1108fs.
Identifiers: ClinVar variation 2584129 (VCV002584129.2), dbSNP rs864622086, ClinGen allele CA2582341512.